The following is an entry in ClinVar:

NM_017802.4(DNAAF5):c.2320_2321del (p.Val774fs)

Gene: DNAAF5 (dynein axonemal assembly factor 5; plus strand). Cytogenetic location: 7p22.3.
Variant type: Microsatellite.
Coding change: c.2320_2321del on transcript NM_017802.4 (MANE Select); coding-DNA positions 2320 to 2321, 2 bases deleted (GT; older notation c.2320_2321delGT).
Protein change: p.Val774fs; shifts the reading frame from valine 774.
Molecular consequence: frameshift variant. On other transcripts: non-coding transcript variant (1).
Genome position (GRCh38, 1-based): chr7:780,033-780,034, GT deleted; deleting any 2 consecutive bases within chr7:780,029-780,034 gives the same sequence; the c. name uses the placement nearest the transcript's 3' end. VCF-style (leftmost placement, unchanged base first): chr7-780028-AGT-A. GRCh37 (hg19) VCF-style: chr7-819665-AGT-A.
Other names: short protein forms V774fs.
Identifiers: ClinVar variation 2047643 (VCV002047643.4), dbSNP rs1215481060, ClinGen allele CA572071574.
Genomic context (GRCh38, chr7:780,028, plus strand): 5'-TAGATGACGTGTCCAACGATGTGAGGATGGCAGCCGCCTCCACCTTGGTCACCTGGCTGC[AGT>A]GTGTCAAGGGTGCCAACGCAAAATCCTACTATCAGAGCAGTGTCCAGTACCTGTACCGAG-3'

ClinVar aggregate classification (germline): Pathogenic (1 of 4 stars; one submission).

Conditions:
Primary ciliary dyskinesia. Also called: Ciliary dyskinesia. Identifiers: Orphanet 244, MedGen C0008780, MONDO:0016575, HP:0012265.

Submission:

Labcorp Genetics (formerly Invitae), Labcorp
Classification: Pathogenic for Primary ciliary dyskinesia. Last evaluated: 2021-12-19. Review status: criteria provided, single submitter. Criteria: Invitae Variant Classification Sherloc (09022015). Collection method: clinical testing. Allele origin: germline.
Comment: For these reasons, this variant has been classified as Pathogenic. This sequence change creates a premature translational stop signal (p.Val774Glnfs*25) in the DNAAF5 gene. While this is not anticipated to result in nonsense mediated decay, it is expected to disrupt the last 82 amino acid(s) of the DNAAF5 protein. This variant disrupts a region of the DNAAF5 protein in which other variant(s) (p.Arg792*) have been determined to be pathogenic (Invitae). This suggests that this is a clinically significant region of the protein, and that variants that disrupt it are likely to be disease-causing. This variant has not been reported in the literature in individuals affected with DNAAF5-related conditions. This variant is present in population databases (no rsID available, gnomAD 0.003%).